The following is an entry in ClinVar:

NM_207361.6(FREM2):c.7333G>A (p.Gly2445Ser)

Gene: FREM2 (FRAS1 related extracellular matrix 2; plus strand). Cytogenetic location: 13q13.3.
Variant type: single nucleotide variant.
Coding change: c.7333G>A on transcript NM_207361.6 (MANE Select); coding-DNA position 7333, G replaced by A.
Protein change: p.Gly2445Ser; replaces glycine 2445 with serine.
Molecular consequence: missense variant.
Genome position (GRCh38, 1-based): chr13:38,859,404, G>A. VCF-style: chr13-38859404-G-A. GRCh37 (hg19) VCF-style: chr13-39433541-G-A.
Other names: short protein forms G2445S.
Identifiers: ClinVar variation 2177581 (VCV002177581.1), dbSNP rs760298831, ClinGen allele CA6955831.

ClinVar aggregate classification (germline): Uncertain significance (1 of 4 stars; one submission).

Allele frequency attached by ClinVar (database versions not stated): TOPMed 0.00001; ExAC 0.00002; gnomAD 0.00002; gnomAD exomes 0.00002.
gnomAD v4.1: 12 of 1,614,036 alleles (0.00074%); highest among the groups gnomAD compares: East Asian, 0.013%; no homozygotes.

Submission:

Labcorp Genetics (formerly Invitae), Labcorp
Classification: Uncertain significance. Last evaluated: 2022-04-04. Review status: criteria provided, single submitter. Criteria: Invitae Variant Classification Sherloc (09022015). Collection method: clinical testing. Allele origin: germline.
Comment: This sequence change replaces glycine, which is neutral and non-polar, with serine, which is neutral and polar, at codon 2445 of the FREM2 protein (p.Gly2445Ser). This variant is present in population databases (rs760298831, gnomAD 0.006%). This variant has not been reported in the literature in individuals affected with FREM2-related conditions. Algorithms developed to predict the effect of missense changes on protein structure and function are either unavailable or do not agree on the potential impact of this missense change (SIFT: "Deleterious"; PolyPhen-2: "Probably Damaging"; Align-GVGD: "Class C0"). Algorithms developed to predict the effect of sequence changes on RNA splicing suggest that this variant may create or strengthen a splice site. In summary, the available evidence is currently insufficient to determine the role of this variant in disease. Therefore, it has been classified as a Variant of Uncertain Significance.